The following is an entry in ClinVar:

NM_001379270.1(CNGA1):c.1309C>G (p.Leu437Val)

Genes: CNGA1 (cyclic nucleotide gated channel subunit alpha 1; minus strand), LOC101927157 (uncharacterized LOC101927157; plus strand). Cytogenetic location: 4p12.
Variant type: single nucleotide variant.
Coding change: c.1309C>G on transcript NM_001379270.1 (MANE Select); coding-DNA position 1309, C replaced by G.
Protein change: p.Leu437Val; replaces leucine 437 with valine.
Molecular consequence: missense variant.
Genome position (GRCh38, 1-based): chr4:47,937,173, G>C on the plus strand (C>G on the coding strand, the complement: CNGA1 is on the minus strand). VCF-style: chr4-47937173-G-C. GRCh37 (hg19) VCF-style: chr4-47939190-G-C.
Other names: c.1309C>G, p.Leu437Val (NM_000087.5, NM_001142564.2); short protein forms L437V.
Identifiers: ClinVar variation 999735 (VCV000999735.9), dbSNP rs771075850, ClinGen allele CA2911099.

ClinVar aggregate classification (germline): Uncertain significance. Review status: criteria provided, multiple submitters, no conflicts (2 of 4 stars). 2 submissions from 2 submitters: Uncertain significance (2). Last evaluated 2025-05-27.

gnomAD v4.1: 11 of 1,614,148 alleles (0.00068%); highest among the groups gnomAD compares: Middle Eastern, 0.016%; no homozygotes.

Submissions (2):

Labcorp Genetics (formerly Invitae), Labcorp
Classification: Uncertain significance. Last evaluated: 2025-05-27. Review status: criteria provided, single submitter. Criteria: Invitae Variant Classification Sherloc (09022015). Collection method: clinical testing. Allele origin: germline.
Comment: This sequence change replaces leucine, which is neutral and non-polar, with valine, which is neutral and non-polar, at codon 441 of the CNGA1 protein (p.Leu441Val). This variant is present in population databases (rs771075850, gnomAD 0.003%). This variant has not been reported in the literature in individuals affected with CNGA1-related conditions. ClinVar contains an entry for this variant (Variation ID: 999735). Invitae Evidence Modeling of protein sequence and biophysical properties (such as structural, functional, and spatial information, amino acid conservation, physicochemical variation, residue mobility, and thermodynamic stability) indicates that this missense variant is not expected to disrupt CNGA1 protein function with a negative predictive value of 80%. In summary, the available evidence is currently insufficient to determine the role of this variant in disease. Therefore, it has been classified as a Variant of Uncertain Significance.

Blueprint Genetics
Classification: Uncertain significance. Last evaluated: 2023-11-20. Review status: criteria provided, single submitter. Criteria: ACMG Guidelines, 2015. Collection method: clinical testing. Allele origin: germline.